The following is an entry in ClinVar:

NM_015259.6(ICOSLG):c.898+341C>T

Gene: ICOSLG (inducible T cell costimulator ligand; minus strand). Cytogenetic location: 21q22.3.
Variant type: single nucleotide variant.
Coding change: c.898+341C>T on transcript NM_015259.6 (MANE Select); 341 bases into the intron after coding-DNA position 898, C replaced by T.
Molecular consequence: intron variant.
Genome position (GRCh38, 1-based): chr21:44,229,713, G>A on the plus strand (C>T on the coding strand, the complement: ICOSLG is on the minus strand). VCF-style: chr21-44229713-G-A. GRCh37 (hg19) VCF-style: chr21-45649596-G-A.
Other names: c.547+341C>T (NM_001283051.2); c.643+341C>T (NM_001283052.2); c.898+341C>T (NM_001283050.2); c.899-167C>T (NM_001395918.1); c.817+341C>T (NM_001365759.2).
Identifiers: ClinVar variation 2652735 (VCV002652735.24), dbSNP rs572035239, ClinGen allele CA10051135.

ClinVar aggregate classification (germline): Likely benign (1 of 4 stars; one submission).

Allele frequency attached by ClinVar (database versions not stated): gnomAD 0.00003; ExAC 0.00009; 1000 Genomes Project 0.00020.

Submission:

CeGaT Center for Human Genetics Tuebingen
Classification: Likely benign. Last evaluated: 2025-09-01. Review status: criteria provided, single submitter. Criteria: CeGaT Center For Human Genetics Tuebingen Variant Classification Criteria Version 2. Collection method: clinical testing. Allele origin: germline. Affected: yes. Observed: 4 variant alleles.
Comment: ICOSLG: BP4, BP7